The following is an entry in ClinVar:

NM_001458.5(FLNC):c.6688C>T (p.Arg2230Cys)

Genes: FLNC (filamin C; plus strand), FLNC-AS1 (FLNC antisense RNA 1; minus strand). Cytogenetic location: 7q32.1.
Variant type: single nucleotide variant.
Coding change: c.6688C>T on transcript NM_001458.5 (MANE Select); coding-DNA position 6688, C replaced by T.
Protein change: p.Arg2230Cys; replaces arginine 2230 with cysteine.
Molecular consequence: missense variant.
Genome position (GRCh38, 1-based): chr7:128,854,177, C>T. VCF-style: chr7-128854177-C-T. GRCh37 (hg19) VCF-style: chr7-128494231-C-T.
Other names: c.6589C>T, p.Arg2197Cys (NM_001127487.2); short protein forms R2197C, R2230C.
Identifiers: ClinVar variation 1303163 (VCV001303163.6), dbSNP rs374186437, ClinGen allele CA4476046.

ClinVar aggregate classification (germline): Uncertain significance. Review status: criteria provided, multiple submitters, no conflicts (2 of 4 stars). 3 submissions from 3 submitters: Uncertain significance (3). Last evaluated 2025-07-20.

Conditions:
Cardiovascular phenotype. Identifiers: MedGen CN230736.
Hypertrophic cardiomyopathy 26. Also called: Cardiomyopathy, familial hypertrophic, 26. Identifiers: Orphanet 75249, MedGen C4310749, MONDO:0014883, OMIM 617047.
Myofibrillar myopathy 5. Also called: FILAMINOPATHY, AUTOSOMAL DOMINANT; Filaminopathy (type). Identifiers: Orphanet 171445, MedGen C1836050, MONDO:0012289, OMIM 609524.
Distal myopathy with posterior leg and anterior hand involvement. Also called: WILLIAMS DISTAL MYOPATHY. Identifiers: Orphanet 63273, MedGen C3279722, MONDO:0013550, OMIM 614065.

Allele frequency attached by ClinVar (database versions not stated): gnomAD exomes below 0.00001; TOPMed below 0.00001; ExAC 0.00001; ESP Exome Variant Server 0.00008.
gnomAD v4.1: 6 of 1,609,242 alleles (0.00037%); highest among the groups gnomAD compares: East Asian, 0.0022%; no homozygotes.

Submissions (3):

Labcorp Genetics (formerly Invitae), Labcorp
Classification: Uncertain significance for Distal myopathy with posterior leg and anterior hand involvement; Myofibrillar myopathy 5; Hypertrophic cardiomyopathy 26. Last evaluated: 2025-07-20. Review status: criteria provided, single submitter. Criteria: Invitae Variant Classification Sherloc (09022015). Collection method: clinical testing. Allele origin: germline.
Comment: This sequence change replaces arginine, which is basic and polar, with cysteine, which is neutral and slightly polar, at codon 2230 of the FLNC protein (p.Arg2230Cys). This variant is present in population databases (rs374186437, gnomAD 0.006%). This variant has not been reported in the literature in individuals affected with FLNC-related conditions. ClinVar contains an entry for this variant (Variation ID: 1303163). An algorithm developed to predict the effect of missense changes on protein structure and function (PolyPhen-2) suggests that this variant is likely to be tolerated. In summary, the available evidence is currently insufficient to determine the role of this variant in disease. Therefore, it has been classified as a Variant of Uncertain Significance.

Ambry Genetics
Classification: Uncertain significance for Cardiovascular phenotype. Last evaluated: 2024-07-24. Review status: criteria provided, single submitter. Criteria: Ambry Variant Classification Scheme 2023. Collection method: clinical testing. Allele origin: germline.
Comment: The p.R2230C variant (also known as c.6688C>T), located in coding exon 40 of the FLNC gene, results from a C to T substitution at nucleotide position 6688. The arginine at codon 2230 is replaced by cysteine, an amino acid with highly dissimilar properties. This amino acid position is conserved. In addition, the in silico prediction for this alteration is inconclusive. Based on the available evidence, the clinical significance of this variant remains unclear.

GeneDx
Classification: Uncertain significance. Last evaluated: 2019-10-11. Review status: criteria provided, single submitter. Criteria: GeneDx Variant Classification Process June 2021. Collection method: clinical testing. Allele origin: germline. Affected: yes.
Comment: Has not been previously published as pathogenic or benign to our knowledge; Not observed at a significant frequency in large population cohorts (Lek et al., 2016); In silico analysis, which includes protein predictors and evolutionary conservation, supports that this variant does not alter protein structure/function